The following is an entry in ClinVar:

NM_000368.5(TSC1):c.3426C>A (p.Pro1142=)

Gene: TSC1 (TSC complex subunit 1; minus strand). Cytogenetic location: 9q34.13.
Variant type: single nucleotide variant.
Coding change: c.3426C>A on transcript NM_000368.5 (MANE Select); coding-DNA position 3426, C replaced by A.
Protein change: p.Pro1142=; no amino-acid change (proline 1142 retained).
Molecular consequence: synonymous variant.
Genome position (GRCh38, 1-based): chr9:132,896,304, G>T on the plus strand (C>A on the coding strand, the complement: TSC1 is on the minus strand). VCF-style: chr9-132896304-G-T. GRCh37 (hg19) VCF-style: chr9-135771691-G-T.
Other names: c.3423C>A, p.Pro1141= (NM_001162426.2); c.3273C>A, p.Pro1091= (NM_001162427.2); c.3063C>A, p.Pro1021= (NM_001362177.2).
Identifiers: ClinVar variation 715188 (VCV000715188.22), dbSNP rs758286878, ClinGen allele CA200925301.

ClinVar aggregate classification (germline): Benign/Likely benign. Review status: criteria provided, multiple submitters, no conflicts (2 of 4 stars). 5 submissions from 5 submitters: Benign (1); Likely benign (4). Last evaluated 2025-11-01.

Conditions:
Hereditary cancer-predisposing syndrome. Also called: Hereditary Cancer Syndrome; Neoplastic Syndromes, Hereditary; Hereditary neoplastic syndrome; Tumor predisposition. Identifiers: Orphanet 140162, MedGen C0027672, MeSH D009386, MONDO:0015356.
Tuberous sclerosis syndrome (TSC). Also called: Tuberous Sclerosis Complex; Tuberous sclerosis. Identifiers: Orphanet 805, MedGen C0041341, MONDO:0001734.
Tuberous sclerosis 1 (TSC1). Identifiers: Orphanet 805, MedGen C1854465, MONDO:0008612, OMIM 191100.

Allele frequency attached by ClinVar (database versions not stated): TOPMed below 0.00001; gnomAD 0.00001.

Submissions (5):

CeGaT Center for Human Genetics Tuebingen
Classification: Likely benign. Last evaluated: 2025-11-01. Review status: criteria provided, single submitter. Criteria: CeGaT Center For Human Genetics Tuebingen Variant Classification Criteria Version 2. Collection method: clinical testing. Allele origin: germline. Affected: yes. Observed: 2 variant alleles.
Comment: TSC1: BP4, BP7

Labcorp Genetics (formerly Invitae), Labcorp
Classification: Likely benign for Tuberous sclerosis 1. Last evaluated: 2025-04-30. Review status: criteria provided, single submitter. Criteria: Invitae Variant Classification Sherloc (09022015). Collection method: clinical testing. Allele origin: germline.

Myriad Genetics, Inc.
Classification: Benign for Tuberous sclerosis 1. Last evaluated: 2025-04-30. Review status: criteria provided, single submitter. Criteria: Myriad Autosomal Dominant, Autosomal Recessive and X-Linked Classification Criteria (2023). Collection method: clinical testing. Allele origin: unknown.
Comment: This variant is considered benign. This variant is a silent/synonymous amino acid change and it is not expected to impact splicing.

Color Diagnostics, LLC DBA Color Health
Classification: Likely benign for Tuberous sclerosis syndrome. Last evaluated: 2022-11-06. Review status: criteria provided, single submitter. Criteria: ACMG Guidelines, 2015. Collection method: clinical testing. Allele origin: germline.

Ambry Genetics
Classification: Likely benign for Hereditary cancer-predisposing syndrome. Last evaluated: 2020-03-17. Review status: criteria provided, single submitter. Criteria: Ambry Variant Classification Scheme 2023. Collection method: clinical testing. Allele origin: germline.